The following is an entry in ClinVar:

ClinVar aggregate classification (germline): Uncertain significance (1 of 4 stars; one submission).

Submission:

Labcorp Genetics (formerly Invitae), Labcorp
Classification: Uncertain significance. Last evaluated: 2022-11-01. Review status: criteria provided, single submitter. Criteria: Invitae Variant Classification Sherloc (09022015). Collection method: clinical testing. Allele origin: germline.
Comment: This variant has not been reported in the literature in individuals affected with MICAL1-related conditions. This sequence change replaces serine, which is neutral and polar, with isoleucine, which is neutral and non-polar, at codon 47 of the MICAL1 protein (p.Ser47Ile). This variant is not present in population databases (gnomAD no frequency). Algorithms developed to predict the effect of missense changes on protein structure and function are either unavailable or do not agree on the potential impact of this missense change (SIFT: "Deleterious"; PolyPhen-2: "Possibly Damaging"; Align-GVGD: "Class C0"). In summary, the available evidence is currently insufficient to determine the role of this variant in disease. Therefore, it has been classified as a Variant of Uncertain Significance.

NM_022765.4(MICAL1):c.83G>T (p.Ser28Ile)

Gene: MICAL1 (microtubule associated monooxygenase, calponin and LIM domain containing 1; minus strand). Cytogenetic location: 6q21.
Variant type: single nucleotide variant.
Coding change: c.83G>T on transcript NM_022765.4 (MANE Select); coding-DNA position 83, G replaced by T.
Protein change: p.Ser28Ile; replaces serine 28 with isoleucine.
Molecular consequence: missense variant.
Genome position (GRCh38, 1-based): chr6:109,454,114, C>A on the plus strand (G>T on the coding strand, the complement: MICAL1 is on the minus strand). VCF-style: chr6-109454114-C-A. GRCh37 (hg19) VCF-style: chr6-109775317-C-A.
Other names: c.83G>T, p.Ser28Ile (NM_001159291.2); c.140G>T, p.Ser47Ile (NM_001286613.2); short protein forms S28I, S47I.
Identifiers: ClinVar variation 1970635 (VCV001970635.5), dbSNP rs941567539, ClinGen allele CA365234177.
Genomic context (GRCh38, chr6:109,454,114, plus strand): 5'-TACTGGGGCAGCCCCCCACCGGGTTCCAGCCCCAGGGCCCCACACAGCTCCTGGAAGCTG[C>A]TCAGCACGTCCTGGCACAGCTGGGCCTGCAGGAAGCTCTCAAAGTGGGCATGCGCTGGGT-3'
Protein context (NP_073602.3, residues 18-38): LQAQLCQDVL[Ser28Ile]SFQELCGALG